The following is an entry in ClinVar:

NM_000548.5(TSC2):c.3020C>T (p.Ser1007Phe)

Gene: TSC2 (TSC complex subunit 2; plus strand). Cytogenetic location: 16p13.3.
Variant type: single nucleotide variant.
Coding change: c.3020C>T on transcript NM_000548.5 (MANE Select); coding-DNA position 3020, C replaced by T.
Protein change: p.Ser1007Phe; replaces serine 1007 with phenylalanine.
Molecular consequence: missense variant. On other transcripts: non-coding transcript variant (5).
Genome position (GRCh38, 1-based): chr16:2,079,085, C>T. VCF-style: chr16-2079085-C-T. GRCh37 (hg19) VCF-style: chr16-2129086-C-T.
Other names: c.2288C>T, p.Ser763Phe (NM_001406688.1, NM_001318831.2, NM_001406687.1); c.1676C>T, p.Ser559Phe (NM_001406689.1); c.1547C>T, p.Ser516Phe (NM_001406690.1, NM_001406692.1, NM_001406693.1 and 1 more transcripts); c.1544C>T, p.Ser515Phe (NM_001406691.1, NM_001406695.1, NM_001406696.1 and 1 more transcripts); c.1286C>T, p.Ser429Phe (NM_001406698.1); c.2891C>T, p.Ser964Phe (NM_021055.3, NM_001363528.2, NM_001370405.1); c.2909C>T, p.Ser970Phe (NM_001406670.1); c.2879C>T, p.Ser960Phe (NM_001406671.1); and 18 more; short protein forms S1007F, S516F, S559F, S806F, S927F, S944F, S958F, S960F.
Identifiers: ClinVar variation 3462677 (VCV003462677.2).
Genomic context (GRCh38, chr16:2,079,085, plus strand): 5'-CCTCCAGCAGGATACAGACGTCCCTCACCAGTGCCAGCTTGGGGTCTGCAGATGAGAACT[C>T]CGTGGCCCAGGCTGACGATAGCCTGAAAAACCTCCACCTGGAGCTCACGGAAACCTGTCT-3'
Protein context (NP_000539.2, residues 997-1017): SASLGSADEN[Ser1007Phe]VAQADDSLKN

ClinVar aggregate classification (germline): Uncertain significance. Review status: criteria provided, multiple submitters, no conflicts (2 of 4 stars). 2 submissions from 2 submitters: Uncertain significance (2). Last evaluated 2025-02-03.

Conditions:
Hereditary cancer-predisposing syndrome. Also called: Hereditary Cancer Syndrome; Hereditary neoplastic syndrome; Neoplastic Syndromes, Hereditary; Tumor predisposition. Identifiers: Orphanet 140162, MedGen C0027672, MeSH D009386, MONDO:0015356.
Tuberous sclerosis 2 (TSC2). Identifiers: Orphanet 805, MedGen C1860707, MONDO:0013199, OMIM 613254.

Submissions (2):

Labcorp Genetics (formerly Invitae), Labcorp
Classification: Uncertain significance for Tuberous sclerosis 2. Last evaluated: 2025-02-03. Review status: criteria provided, single submitter. Criteria: Invitae Variant Classification Sherloc (09022015). Collection method: clinical testing. Allele origin: germline.
Comment: This sequence change replaces serine, which is neutral and polar, with phenylalanine, which is neutral and non-polar, at codon 1007 of the TSC2 protein (p.Ser1007Phe). This variant is not present in population databases (gnomAD no frequency). This variant has not been reported in the literature in individuals affected with TSC2-related conditions. ClinVar contains an entry for this variant (Variation ID: 3462677). Invitae Evidence Modeling of protein sequence and biophysical properties (such as structural, functional, and spatial information, amino acid conservation, physicochemical variation, residue mobility, and thermodynamic stability) indicates that this missense variant is not expected to disrupt TSC2 protein function with a negative predictive value of 95%. In summary, the available evidence is currently insufficient to determine the role of this variant in disease. Therefore, it has been classified as a Variant of Uncertain Significance.

Ambry Genetics
Classification: Uncertain significance for Hereditary cancer-predisposing syndrome. Last evaluated: 2024-11-15. Review status: criteria provided, single submitter. Criteria: Ambry Variant Classification Scheme 2023. Collection method: clinical testing. Allele origin: germline.
Comment: The p.S1007F variant (also known as c.3020C>T), located in coding exon 26 of the TSC2 gene, results from a C to T substitution at nucleotide position 3020. The serine at codon 1007 is replaced by phenylalanine, an amino acid with highly dissimilar properties. This amino acid position is conserved. In addition, this alteration is predicted to be deleterious by in silico analysis. Based on the available evidence, the clinical significance of this variant remains unclear.